The following is an entry in ClinVar:

NM_145059.3(FCSK):c.3020G>A (p.Arg1007His)

Gene: FCSK (fucose kinase; plus strand). Cytogenetic location: 16q22.1.
Variant type: single nucleotide variant.
Coding change: c.3020G>A on transcript NM_145059.3 (MANE Select); coding-DNA position 3020, G replaced by A.
Protein change: p.Arg1007His; replaces arginine 1007 with histidine.
Molecular consequence: missense variant.
Genome position (GRCh38, 1-based): chr16:70,479,270, G>A. VCF-style: chr16-70479270-G-A. GRCh37 (hg19) VCF-style: chr16-70513173-G-A.
Other names: c.3020G>A (NM_145059.2); short protein forms R1007H.
Identifiers: ClinVar variation 2717246 (VCV002717246.3), dbSNP rs201350190, ClinGen allele CA8143847.

ClinVar aggregate classification (germline): Uncertain significance. Review status: criteria provided, multiple submitters, no conflicts (2 of 4 stars). 2 submissions from 2 submitters: Uncertain significance (2). Last evaluated 2025-09-25.

Allele frequency attached by ClinVar (database versions not stated): ESP Exome Variant Server 0.00032; 1000 Genomes Project 0.00120; gnomAD 0.00049; 1000 Genomes Project 30x 0.00125.
gnomAD v4.1: 168 of 1,614,002 alleles (0.01%); highest among the groups gnomAD compares: African/African-American, 0.19%; no homozygotes.

Submissions (2):

Ambry Genetics
Classification: Uncertain significance. Last evaluated: 2025-09-25. Review status: criteria provided, single submitter. Criteria: Ambry Variant Classification Scheme 2023. Collection method: clinical testing. Allele origin: germline.

Labcorp Genetics (formerly Invitae), Labcorp
Classification: Uncertain significance. Last evaluated: 2024-03-04. Review status: criteria provided, single submitter. Criteria: Invitae Variant Classification Sherloc (09022015). Collection method: clinical testing. Allele origin: germline.
Comment: This sequence change replaces arginine, which is basic and polar, with histidine, which is basic and polar, at codon 1007 of the FUK protein (p.Arg1007His). This variant is present in population databases (rs201350190, gnomAD 0.1%), and has an allele count higher than expected for a pathogenic variant. This variant has not been reported in the literature in individuals affected with FUK-related conditions. Algorithms developed to predict the effect of missense changes on protein structure and function output the following: SIFT: "Not Available"; PolyPhen-2: "Benign"; Align-GVGD: "Not Available". The histidine amino acid residue is found in multiple mammalian species, which suggests that this missense change does not adversely affect protein function. In summary, the available evidence is currently insufficient to determine the role of this variant in disease. Therefore, it has been classified as a Variant of Uncertain Significance.